The following is an entry in ClinVar:

ClinVar aggregate classification (germline): Uncertain significance (1 of 4 stars; one submission).

Allele frequency attached by ClinVar (database versions not stated): gnomAD exomes 0.00001; gnomAD 0.00002; TOPMed 0.00002.
gnomAD v4.1: 11 of 1,550,532 alleles (0.00071%); highest among the groups gnomAD compares: African/African-American, 0.0041%; no homozygotes.

Submission:

GeneDx
Classification: Uncertain significance. Last evaluated: 2022-11-15. Review status: criteria provided, single submitter. Criteria: GeneDx Variant Classification Process June 2021. Collection method: clinical testing. Allele origin: germline. Affected: yes.
Comment: Not observed at significant frequency in large population cohorts (gnomAD); In silico analysis supports that this missense variant does not alter protein structure/function; Has not been previously published as pathogenic or benign to our knowledge

NM_001039141.3(TRIOBP):c.3955G>A (p.Glu1319Lys)

Gene: TRIOBP (TRIO and F-actin binding protein; plus strand). Cytogenetic location: 22q13.1.
Variant type: single nucleotide variant.
Coding change: c.3955G>A on transcript NM_001039141.3 (MANE Select); coding-DNA position 3955, G replaced by A.
Protein change: p.Glu1319Lys; replaces glutamic acid 1319 with lysine.
Molecular consequence: missense variant.
Genome position (GRCh38, 1-based): chr22:37,733,305, G>A. VCF-style: chr22-37733305-G-A. GRCh37 (hg19) VCF-style: chr22-38129312-G-A.
Other names: short protein forms E1319K.
Identifiers: ClinVar variation 2502661 (VCV002502661.1), dbSNP rs1189989190, ClinGen allele CA411487065.